The following is an entry in ClinVar:

NM_001287.6(CLCN7):c.1263C>T (p.Ala421=)

Gene: CLCN7 (Cl-/H+ antiporter 7; minus strand). Cytogenetic location: 16p13.3.
Variant type: single nucleotide variant.
Coding change: c.1263C>T on transcript NM_001287.6 (MANE Select); coding-DNA position 1263, C replaced by T.
Protein change: p.Ala421=; no amino-acid change (alanine 421 retained).
Molecular consequence: synonymous variant.
Genome position (GRCh38, 1-based): chr16:1,452,845, G>A on the plus strand (C>T on the coding strand, the complement: CLCN7 is on the minus strand). VCF-style: chr16-1452845-G-A. GRCh37 (hg19) VCF-style: chr16-1502846-G-A.
Other names: c.1191C>T, p.Ala397= (NM_001114331.3).
Identifiers: ClinVar variation 1930624 (VCV001930624.29), dbSNP rs776934926, ClinGen allele CA7810338.
Genomic context (GRCh38, chr16:1,452,845, plus strand): 5'-CAGGGGCTGGCAATCCCGCGACGAGTAGATCAGCACGAAGGCAACTGTGGCCGTGACGGC[G>A]GCCACCAGCACGGCCTCAATCACCTGCAGGCAGGGCCGGTGGATGTACCTGGAACCAAGA-3'
Protein context (NP_001278.1, residues 411-431): CLQVIEAVLV[Ala421=]AVTATVAFVL

ClinVar aggregate classification (germline): Likely benign. Review status: criteria provided, multiple submitters, no conflicts (2 of 4 stars). 2 submissions from 2 submitters: Likely benign (2). Last evaluated 2024-10-29.

Allele frequency attached by ClinVar (database versions not stated): gnomAD exomes 0.00002; gnomAD 0.00003.
gnomAD v4.1: 27 of 1,586,406 alleles (0.0017%); highest among the groups gnomAD compares: East Asian, 0.042%; no homozygotes.

Submissions (2):

Labcorp Genetics (formerly Invitae), Labcorp
Classification: Likely benign. Last evaluated: 2024-10-29. Review status: criteria provided, single submitter. Criteria: Invitae Variant Classification Sherloc (09022015). Collection method: clinical testing. Allele origin: germline.

CeGaT Center for Human Genetics Tuebingen
Classification: Likely benign. Last evaluated: 2022-10-01. Review status: criteria provided, single submitter. Criteria: CeGaT Center For Human Genetics Tuebingen Variant Classification Criteria Version 2. Collection method: clinical testing. Allele origin: germline. Affected: yes. Observed: 1 variant allele.
Comment: CLCN7: BP4, BP7